The following is an entry in ClinVar:

NM_017780.4(CHD7):c.6821C>T (p.Ala2274Val)

Gene: CHD7 (chromodomain helicase DNA binding protein 7; plus strand). Cytogenetic location: 8q12.2.
Variant type: single nucleotide variant.
Coding change: c.6821C>T on transcript NM_017780.4 (MANE Select); coding-DNA position 6821, C replaced by T.
Protein change: p.Ala2274Val; replaces alanine 2274 with valine.
Molecular consequence: missense variant. On other transcripts: intron variant (1).
Genome position (GRCh38, 1-based): chr8:60,854,408, C>T. VCF-style: chr8-60854408-C-T. GRCh37 (hg19) VCF-style: chr8-61766967-C-T.
Other names: c.1717-7821C>T (NM_001316690.1); short protein forms A2274V.
Identifiers: ClinVar variation 1716313 (VCV001716313.5), dbSNP rs2488056682, ClinGen allele CA371294714.

ClinVar aggregate classification (germline): Uncertain significance (1 of 4 stars; one submission).

Conditions:
CHARGE syndrome (CHARGE). Also called: Coloboma, heart anomaly, choanal atresia, retardation, genital and ear anomalies; CHARGE association; Hall-Hittner syndrome; Hittner Hirsch Kreh syndrome; CHARGE ASSOCIATION--COLOBOMA, HEART ANOMALY, CHOANAL ATRESIA, RETARDATION, GENITAL AND EAR ANOMALIES. Identifiers: Orphanet 138, MedGen C0265354, MONDO:0008965.

Submission:

Labcorp Genetics (formerly Invitae), Labcorp
Classification: Uncertain significance for CHARGE syndrome. Last evaluated: 2022-08-13. Review status: criteria provided, single submitter. Criteria: Invitae Variant Classification Sherloc (09022015). Collection method: clinical testing. Allele origin: germline.
Comment: This sequence change replaces alanine, which is neutral and non-polar, with valine, which is neutral and non-polar, at codon 2274 of the CHD7 protein (p.Ala2274Val). This variant is not present in population databases (gnomAD no frequency). This variant has not been reported in the literature in individuals affected with CHD7-related conditions. Advanced modeling of protein sequence and biophysical properties (such as structural, functional, and spatial information, amino acid conservation, physicochemical variation, residue mobility, and thermodynamic stability) performed at Invitae indicates that this missense variant is not expected to disrupt CHD7 protein function. In summary, the available evidence is currently insufficient to determine the role of this variant in disease. Therefore, it has been classified as a Variant of Uncertain Significance.